The following is an entry in ClinVar:

ClinVar aggregate classification (germline): Conflicting classifications of pathogenicity. Review status: criteria provided, conflicting classifications (1 of 4 stars). 5 submissions from 5 submitters: Uncertain significance (2); Benign (1); Likely benign (1). 1 of the submissions does not count toward it. Last evaluated 2026-01-17.

Conditions:
Peroxisome biogenesis disorder 11A (Zellweger). Also called: Peroxisome biogenesis disorder 11A. Identifiers: Orphanet 912, MedGen C3554000, MONDO:0013949, OMIM 614883.
PEX13-related disorder. Also called: PEX13-related condition; PEX13-related disorders.

Allele frequency attached by ClinVar (database versions not stated): gnomAD 0.00007 and 0.00009; gnomAD exomes 0.00012 and 0.00016; ExAC 0.00014; TOPMed 0.00015.
gnomAD v4.1: 205 of 1,613,940 alleles (0.013%); highest among the groups gnomAD compares: Non-Finnish European, 0.0064%; no homozygotes.

Submissions (5):

Labcorp Genetics (formerly Invitae), Labcorp
Classification: Likely benign for Peroxisome biogenesis disorder 11A (Zellweger). Last evaluated: 2026-01-17. Review status: criteria provided, single submitter. Criteria: Invitae Variant Classification Sherloc (09022015). Collection method: clinical testing. Allele origin: germline.

Mayo Clinic Laboratories, Mayo Clinic
Classification: Uncertain significance. Last evaluated: 2024-11-08. Review status: criteria provided, single submitter. Criteria: ACMG Guidelines, 2015. Collection method: clinical testing. Allele origin: germline. Observed: 1 variant allele.
Comment: PM2_supporting

Blueprint Genetics
Classification: Benign. Last evaluated: 2024-04-10. Review status: criteria provided, single submitter. Criteria: ACMG Guidelines, 2015. Collection method: clinical testing. Allele origin: germline.

Illumina Laboratory Services, Illumina
Classification: Uncertain significance for Peroxisome biogenesis disorder 11A (Zellweger). Last evaluated: 2018-01-13. Review status: criteria provided, single submitter. Criteria: ICSL Variant Classification Criteria 13 December 2019. Collection method: clinical testing. Allele origin: germline.

PreventionGenetics, part of Exact Sciences
Classification: Likely benign for PEX13-related condition. Last evaluated: 2023-11-05. Review status: no assertion criteria provided. Collection method: clinical testing. Allele origin: germline. Not counted in ClinVar's aggregate classification.
Comment: This variant is classified as likely benign based on ACMG/AMP sequence variant interpretation guidelines (Richards et al. 2015 PMID: 25741868, with internal and published modifications).

NM_002618.4(PEX13):c.338T>C (p.Leu113Pro)

Gene: PEX13 (peroxisomal biogenesis factor 13; plus strand). Cytogenetic location: 2p15.
Variant type: single nucleotide variant.
Coding change: c.338T>C on transcript NM_002618.4 (MANE Select); coding-DNA position 338, T replaced by C.
Protein change: p.Leu113Pro; replaces leucine 113 with proline.
Molecular consequence: missense variant.
Genome position (GRCh38, 1-based): chr2:61,031,664, T>C. VCF-style: chr2-61031664-T-C. GRCh37 (hg19) VCF-style: chr2-61258799-T-C.
Other names: p.Leu113Pro; short protein forms L113P.
Identifiers: ClinVar variation 336666 (VCV000336666.18), dbSNP rs202077756, ClinGen allele CA1673282.